The following is an entry in ClinVar:

NM_002181.4(IHH):c.531G>A (p.Trp177Ter)

Gene: IHH (Indian hedgehog signaling molecule; minus strand). Cytogenetic location: 2q35.
Variant type: single nucleotide variant.
Coding change: c.531G>A on transcript NM_002181.4 (MANE Select); coding-DNA position 531, G replaced by A.
Protein change: p.Trp177Ter; replaces tryptophan 177 with a stop codon.
Molecular consequence: nonsense.
Genome position (GRCh38, 1-based): chr2:219,057,479, C>T on the plus strand (G>A on the coding strand, the complement: IHH is on the minus strand). VCF-style: chr2-219057479-C-T. GRCh37 (hg19) VCF-style: chr2-219922201-C-T.
Other names: short protein forms W177*.
Identifiers: ClinVar variation 2504342 (VCV002504342.5), dbSNP rs2469514103, ClinGen allele CA350634199.

ClinVar aggregate classification (germline): Conflicting classifications of pathogenicity. Review status: criteria provided, conflicting classifications (1 of 4 stars). 3 submissions from 3 submitters: Pathogenic (2); Uncertain significance (1). Last evaluated 2023-10-18.

Conditions:
Brachydactyly type A1. Also called: FARABEE-TYPE BRACHYDACTYLY; SHORT STATURE WITH NONSPECIFIC SKELETAL ABNORMALITIES 2. Identifiers: Orphanet 93388, MedGen C1862151, MONDO:0007215, OMIM 112500, HP:0009371.

Submissions (3):

Labcorp Genetics (formerly Invitae), Labcorp
Classification: Pathogenic. Last evaluated: 2023-10-18. Review status: criteria provided, single submitter. Criteria: Invitae Variant Classification Sherloc (09022015). Collection method: clinical testing. Allele origin: germline.
Comment: This sequence change creates a premature translational stop signal (p.Trp177*) in the IHH gene. It is expected to result in an absent or disrupted protein product. Loss-of-function variants in IHH are known to be pathogenic (PMID: 11455389, 19277064). This variant is not present in population databases (gnomAD no frequency). This premature translational stop signal has been observed in individual(s) with clinical features consistent with brachydactyly (PMID: 32311039). ClinVar contains an entry for this variant (Variation ID: 2504342). For these reasons, this variant has been classified as Pathogenic.

GeneDx
Classification: Uncertain significance. Last evaluated: 2022-12-02. Review status: criteria provided, single submitter. Criteria: GeneDx Variant Classification Process June 2021. Collection method: clinical testing. Allele origin: germline. Affected: yes.
Comment: Nonsense variant predicted to result in protein truncation as the last 235 amino acids are lost, although loss-of-function variants have not been reported downstream of this position in the protein; Not observed at significant frequency in large population cohorts (gnomAD); This variant is associated with the following publications: (PMID: 32311039)

Clinical Genetics Service, Universitary Hospital 12 de Octubre
Classification: Pathogenic for Brachydactyly type A1. Review status: criteria provided, single submitter. Criteria: ACMG Guidelines, 2015. Collection method: clinical testing. Allele origin: maternal. Affected: yes.

Literature cited by the submitters: PubMed 11455389 (cited by Labcorp Genetics (formerly Invitae), Labcorp); PubMed 19277064 (cited by Labcorp Genetics (formerly Invitae), Labcorp); PubMed 32311039 (cited by Labcorp Genetics (formerly Invitae), Labcorp).